The following is an entry in ClinVar:

NM_025074.7(FRAS1):c.*3142G>T

Gene: FRAS1 (Fraser extracellular matrix complex subunit 1; plus strand). Cytogenetic location: 4q21.21.
Variant type: single nucleotide variant.
Coding change: c.*3142G>T on transcript NM_025074.7 (MANE Select); 3142 bases downstream of the stop codon, G replaced by T.
Molecular consequence: 3 prime UTR variant.
Genome position (GRCh38, 1-based): chr4:78,544,266, G>T. VCF-style: chr4-78544266-G-T. GRCh37 (hg19) VCF-style: chr4-79465420-G-T.
Identifiers: ClinVar variation 349870 (VCV000349870.5), dbSNP rs183140136, ClinGen allele CA10618468.

ClinVar aggregate classification (germline): Likely benign (1 of 4 stars; one submission).

Conditions:
Fraser syndrome 1 (FRASRS1). Also called: CRYPTOPHTHALMOS WITH OTHER MALFORMATIONS. Identifiers: Orphanet 2052, MedGen C4551480, MONDO:0054737, OMIM 219000.

Allele frequency attached by ClinVar (database versions not stated): 1000 Genomes Project 0.00080; TOPMed 0.00262; gnomAD 0.00320 and 0.00334; gnomAD exomes 0.00701.
gnomAD v4.1: 482 of 152,278 alleles (0.32%); highest among the groups gnomAD compares: Non-Finnish European, 0.52%; 1 homozygote.

Submission:

Illumina Laboratory Services, Illumina
Classification: Likely benign for Fraser syndrome 1. Last evaluated: 2018-01-13. Review status: criteria provided, single submitter. Criteria: ICSL Variant Classification Criteria 13 December 2019. Collection method: clinical testing. Allele origin: germline.
Comment: This variant was observed in the ICSL laboratory as part of a predisposition screen in an ostensibly healthy population. It had not been previously curated by ICSL or reported in the Human Gene Mutation Database (HGMD: prior to June 1st, 2018), and was therefore a candidate for classification through an automated scoring system. Utilizing variant allele frequency, disease prevalence and penetrance estimates, and inheritance mode, an automated score was calculated to assess if this variant is too frequent to cause the disease. Based on the score and internal cut-off values, a variant classified as likely benign is not then subjected to further curation. The score for this variant resulted in a classification of likely benign for this disease.